The following is an entry in ClinVar:

ClinVar aggregate classification (germline): Uncertain significance (1 of 4 stars; one submission).

Conditions:
Gastrointestinal stromal tumor. Also called: Gastrointestinal stroma tumor; Gastrointestinal stromal tumor, somatic. Identifiers: Orphanet 44890, MedGen C0238198, MeSH D046152, MONDO:0011719, OMIM 606764, HP:0100723.

Submission:

Labcorp Genetics (formerly Invitae), Labcorp
Classification: Uncertain significance for Gastrointestinal stromal tumor. Last evaluated: 2021-04-23. Review status: criteria provided, single submitter. Criteria: Invitae Variant Classification Sherloc (09022015). Collection method: clinical testing. Allele origin: germline.
Comment: This sequence change replaces threonine with isoleucine at codon 98 of the KIT protein (p.Thr98Ile). The threonine residue is moderately conserved and there is a moderate physicochemical difference between threonine and isoleucine. This variant is not present in population databases (ExAC no frequency). This variant has not been reported in the literature in individuals with KIT-related conditions. Algorithms developed to predict the effect of missense changes on protein structure and function output the following: SIFT: "Tolerated"; PolyPhen-2: "Benign"; Align-GVGD: "Class C0". The isoleucine amino acid residue is found in multiple mammalian species, suggesting that this missense change does not adversely affect protein function. These predictions have not been confirmed by published functional studies and their clinical significance is uncertain. In summary, the available evidence is currently insufficient to determine the role of this variant in disease. Therefore, it has been classified as a Variant of Uncertain Significance.

NM_000222.3(KIT):c.293C>T (p.Thr98Ile)

Gene: KIT (KIT proto-oncogene, receptor tyrosine kinase; plus strand). Cytogenetic location: 4q12.
Variant type: single nucleotide variant.
Coding change: c.293C>T on transcript NM_000222.3 (MANE Select); coding-DNA position 293, C replaced by T.
Protein change: p.Thr98Ile; replaces threonine 98 with isoleucine.
Molecular consequence: missense variant.
Genome position (GRCh38, 1-based): chr4:54,695,737, C>T. VCF-style: chr4-54695737-C-T. GRCh37 (hg19) VCF-style: chr4-55561903-C-T.
Other names: c.293C>T, p.Thr98Ile (NM_001093772.2, NM_001385284.1, NM_001385285.1 and 4 more transcripts); short protein forms T98I.
Identifiers: ClinVar variation 1490652 (VCV001490652.8), dbSNP rs1577953102, ClinGen allele CA356897263.